The following is an entry in ClinVar:

ClinVar aggregate classification (germline): Likely benign (0 of 4 stars; one submission).

Conditions:
SEMA3F-related disorder. Also called: SEMA3F-related condition.

Allele frequency attached by ClinVar (database versions not stated): gnomAD 0.00011; ExAC 0.00014; ESP Exome Variant Server 0.00015; TOPMed 0.00015; 1000 Genomes Project 30x 0.00016; 1000 Genomes Project 0.00020; gnomAD exomes 0.00020.
gnomAD v4.1: 305 of 1,613,134 alleles (0.019%); highest among the groups gnomAD compares: Non-Finnish European, 0.025%; no homozygotes.

Submission:

PreventionGenetics, part of Exact Sciences
Classification: Likely benign for SEMA3F-related condition. Last evaluated: 2021-06-01. Review status: no assertion criteria provided. Collection method: clinical testing. Allele origin: germline.
Comment: This variant is classified as likely benign based on ACMG/AMP sequence variant interpretation guidelines (Richards et al. 2015 PMID: 25741868, with internal and published modifications).

NM_004186.5(SEMA3F):c.2109T>C (p.His703=)

Gene: SEMA3F (semaphorin 3F; plus strand). Cytogenetic location: 3p21.31.
Variant type: single nucleotide variant.
Coding change: c.2109T>C on transcript NM_004186.5 (MANE Select); coding-DNA position 2109, T replaced by C.
Protein change: p.His703=; no amino-acid change (histidine 703 retained).
Molecular consequence: synonymous variant.
Genome position (GRCh38, 1-based): chr3:50,187,866, T>C. VCF-style: chr3-50187866-T-C. GRCh37 (hg19) VCF-style: chr3-50225299-T-C.
Other names: c.1812T>C, p.His604= (NM_001318798.2); c.2016T>C, p.His672= (NM_001318800.2).
Identifiers: ClinVar variation 3051236 (VCV003051236.2), dbSNP rs145097565, ClinGen allele CA2412342.